The following is an entry in ClinVar:

ClinVar aggregate classification (germline): Conflicting classifications of pathogenicity. Review status: criteria provided, conflicting classifications (1 of 4 stars). 3 submissions from 3 submitters: Likely pathogenic (2); Uncertain significance (1). Last evaluated 2024-05-17.

Conditions:
Neutral 1 amino acid transport defect (HND). Also called: Hartnup disease; HARTNUP DISORDER. Identifiers: Orphanet 2116, MedGen C0018609, MONDO:0009324, OMIM 234500.

Allele frequency attached by ClinVar (database versions not stated): ExAC 0.00003; gnomAD 0.00003; TOPMed 0.00005; gnomAD exomes 0.00013.
gnomAD v4.1: 191 of 1,608,264 alleles (0.012%); highest among the groups gnomAD compares: South Asian, 0.017%; no homozygotes.

Submissions (3):

Fulgent Genetics
Classification: Likely pathogenic for Neutral 1 amino acid transport defect. Last evaluated: 2024-05-17. Review status: criteria provided, single submitter. Criteria: ACMG Guidelines, 2015. Collection method: clinical testing. Allele origin: germline.

Department of Pathology and Laboratory Medicine, Sinai Health System
Classification: Uncertain significance for Neutral 1 amino acid transport defect. Last evaluated: 2022-10-31. Review status: criteria provided, single submitter. Criteria: ACMG Guidelines, 2015. Collection method: research. Allele origin: germline.

GeneDx
Classification: Likely pathogenic. Last evaluated: 2022-09-26. Review status: criteria provided, single submitter. Criteria: GeneDx Variant Classification Process June 2021. Collection method: clinical testing. Allele origin: germline. Affected: yes.
Comment: Reported in an individual with Hartnup disorder who also harbored a pathogenic variant in SLC6A19, although the phase of these two variants was not confirmed (Seow et al., 2004); Published functional studies suggest reduced neutral amino acid transport function (Seow et al., 2014); In silico analysis supports that this missense variant has a deleterious effect on protein structure/function; This variant is associated with the following publications: (PMID: 15286788, 34041853, Al-Qahtani_2022_Computational)

NM_001003841.3(SLC6A19):c.725T>C (p.Leu242Pro)

Gene: SLC6A19 (solute carrier family 6 member 19; plus strand). Cytogenetic location: 5p15.33.
Variant type: single nucleotide variant.
Coding change: c.725T>C on transcript NM_001003841.3 (MANE Select); coding-DNA position 725, T replaced by C.
Protein change: p.Leu242Pro; replaces leucine 242 with proline.
Molecular consequence: missense variant.
Genome position (GRCh38, 1-based): chr5:1,213,524, T>C. VCF-style: chr5-1213524-T-C. GRCh37 (hg19) VCF-style: chr5-1213639-T-C.
Other names: short protein forms L242P.
Identifiers: ClinVar variation 1707901 (VCV001707901.4), dbSNP rs200745023, ClinGen allele CA3182847.